The following is an entry in ClinVar:

ClinVar aggregate classification (germline): Conflicting classifications of pathogenicity. Review status: criteria provided, conflicting classifications (1 of 4 stars). 3 submissions from 3 submitters: Uncertain significance (1); Likely benign (2). Last evaluated 2026-06-01.

Conditions:
Paediatric disorders.

Allele frequency attached by ClinVar (database versions not stated): 1000 Genomes Project 0.00060; 1000 Genomes Project 30x 0.00062; gnomAD exomes 0.00091; gnomAD 0.00106; TOPMed 0.00106; ExAC 0.00121; ESP Exome Variant Server 0.00123.
gnomAD v4.1: 1,555 of 1,614,166 alleles (0.096%); highest among the groups gnomAD compares: Middle Eastern, 0.94%; 6 homozygotes.

Submissions (4):

CeGaT Center for Human Genetics Tuebingen
Classification: Likely benign. Last evaluated: 2026-06-01. Review status: criteria provided, single submitter. Criteria: CeGaT Center For Human Genetics Tuebingen Variant Classification Criteria Version 2. Collection method: clinical testing. Allele origin: germline. Affected: yes. Observed: 5 variant alleles.
Comment: HYDIN: BP4, BS2

NHS Central & South Genomic Laboratory Hub
Classification: Uncertain significance for Paediatric disorders. Last evaluated: 2026-04-22. Review status: criteria provided, single submitter. Criteria: ACMG Guidelines, 2015. Collection method: clinical testing. Allele origin: germline. Affected: yes.

Blueprint Genetics
Classification: Likely benign. Last evaluated: 2024-11-21. Review status: criteria provided, single submitter. Criteria: ACMG Guidelines, 2015. Collection method: clinical testing. Allele origin: germline.

Dr. Peter K. Rogan Lab, Western University
No classification provided (evidence only). Condition: Nonpapillary renal cell carcinoma. Review status: no classification provided. Collection method: in vitro. Allele origin: not applicable. Functional consequence: retained intron. Not counted in ClinVar's aggregate classification.

NM_001270974.2(HYDIN):c.1855C>T (p.His619Tyr)

Gene: HYDIN (HYDIN axonemal central pair apparatus protein; minus strand). Cytogenetic location: 16q22.2.
Variant type: single nucleotide variant.
Coding change: c.1855C>T on transcript NM_001270974.2 (MANE Select); coding-DNA position 1855, C replaced by T.
Protein change: p.His619Tyr; replaces histidine 619 with tyrosine.
Molecular consequence: missense variant.
Genome position (GRCh38, 1-based): chr16:71,069,386, G>A on the plus strand (C>T on the coding strand, the complement: HYDIN is on the minus strand). VCF-style: chr16-71069386-G-A. GRCh37 (hg19) VCF-style: chr16-71103289-G-A.
Other names: NC_000016.9:g.71103289G>A; c.1936C>T, p.His646Tyr (NM_001198542.1); c.1906C>T, p.His636Tyr (NM_001198543.1); c.1855C>T, p.His619Tyr (NM_017558.5); short protein forms H619Y, H636Y, H646Y.
Identifiers: ClinVar variation 2646791 (VCV002646791.26), dbSNP rs144124863, ClinGen allele CA8151271.